The following is an entry in ClinVar:

ClinVar aggregate classification (germline): Likely benign (0 of 4 stars; one submission).

Conditions:
REV3L-related disorder. Also called: REV3L-related condition.

Allele frequency attached by ClinVar (database versions not stated): gnomAD exomes 0.00004; 1000 Genomes Project 30x 0.00016; ExAC 0.00018; 1000 Genomes Project 0.00020; TOPMed 0.00001; gnomAD 0.00003.
gnomAD v4.1: 63 of 1,510,542 alleles (0.0042%); highest among the groups gnomAD compares: South Asian, 0.076%; no homozygotes.

Submission:

PreventionGenetics, part of Exact Sciences
Classification: Likely benign for REV3L-related condition. Last evaluated: 2019-05-24. Review status: no assertion criteria provided. Collection method: clinical testing. Allele origin: germline.
Comment: This variant is classified as likely benign based on ACMG/AMP sequence variant interpretation guidelines (Richards et al. 2015 PMID: 25741868, with internal and published modifications).

NM_001372078.1(REV3L):c.-4G>A

Genes: REV3L (REV3 like, DNA directed polymerase zeta catalytic subunit; minus strand), LOC129996991 (ATAC-STARR-seq lymphoblastoid silent region 17477; plus strand). Cytogenetic location: 6q21.
Variant type: single nucleotide variant.
Coding change: c.-4G>A on transcript NM_001372078.1 (MANE Select); 4 bases upstream of the start codon, G replaced by A.
Molecular consequence: 5 prime UTR variant.
Genome position (GRCh38, 1-based): chr6:111,482,892, C>T on the plus strand (G>A on the coding strand, the complement: REV3L is on the minus strand). VCF-style: chr6-111482892-C-T. GRCh37 (hg19) VCF-style: chr6-111804095-C-T.
Other names: c.-473G>A (NM_001286431.2); c.-366G>A (NM_001286432.2); c.-4G>A (NM_002912.5).
Identifiers: ClinVar variation 3038531 (VCV003038531.2), dbSNP rs529435378, ClinGen allele CA3962950.
Genomic context (GRCh38, chr6:111,482,892, plus strand): 5'-CCCCTGCAGCGGGCTGGCCATGTAGTAGTCTGCAGTCACTATCCTTACTGAAAACATGTT[C>T]GCCGCCGCCGCCACTGCCTCCCTTCACTGGCGACCCGGCAGCGGCAGCAGCAGCGGCGGC-3'